The following is an entry in ClinVar:

NM_000381.4(MID1):c.213C>T (p.Asp71=)

Gene: MID1 (midline 1; minus strand). Cytogenetic location: Xp22.2.
Variant type: single nucleotide variant.
Coding change: c.213C>T on transcript NM_000381.4 (MANE Select); coding-DNA position 213, C replaced by T.
Protein change: p.Asp71=; no amino-acid change (aspartic acid 71 retained).
Molecular consequence: synonymous variant.
Genome position (GRCh38, 1-based): chrX:10,567,335, G>A on the plus strand (C>T on the coding strand, the complement: MID1 is on the minus strand). VCF-style: chrX-10567335-G-A. GRCh37 (hg19) VCF-style: chrX-10535375-G-A.
Other names: c.213C>T, p.Asp71= (NM_001098624.2, NM_001193277.1, NM_001193278.1 and 5 more transcripts).
Identifiers: ClinVar variation 2986133 (VCV002986133.7), dbSNP rs1272432970, ClinGen allele CA515629779.

ClinVar aggregate classification (germline): Likely benign. Review status: criteria provided, multiple submitters, no conflicts (2 of 4 stars). 2 submissions from 2 submitters: Likely benign (2). Last evaluated 2026-02-01.

Allele frequency attached by ClinVar (database versions not stated): TOPMed below 0.00001; gnomAD 0.00001; gnomAD exomes 0.00002.
gnomAD v4.1: 19 of 1,193,403 alleles (0.0016%); highest among the groups gnomAD compares: Middle Eastern, 0.023%; 1 homozygote.

Submissions (2):

CeGaT Center for Human Genetics Tuebingen
Classification: Likely benign. Last evaluated: 2026-02-01. Review status: criteria provided, single submitter. Criteria: CeGaT Center For Human Genetics Tuebingen Variant Classification Criteria Version 2. Collection method: clinical testing. Allele origin: germline. Affected: yes. Observed: 1 variant allele.
Comment: MID1: BP4, BS2

Labcorp Genetics (formerly Invitae), Labcorp
Classification: Likely benign. Last evaluated: 2023-11-17. Review status: criteria provided, single submitter. Criteria: Invitae Variant Classification Sherloc (09022015). Collection method: clinical testing. Allele origin: germline.